The following is an entry in ClinVar:

NM_001010892.3(RSPH4A):c.2095G>A (p.Ala699Thr)

Gene: RSPH4A (radial spoke head component 4A; plus strand). Cytogenetic location: 6q22.1.
Variant type: single nucleotide variant.
Coding change: c.2095G>A on transcript NM_001010892.3 (MANE Select); coding-DNA position 2095, G replaced by A.
Protein change: p.Ala699Thr; replaces alanine 699 with threonine.
Molecular consequence: missense variant. On other transcripts: 3 prime UTR variant (1).
Genome position (GRCh38, 1-based): chr6:116,632,385, G>A. VCF-style: chr6-116632385-G-A. GRCh37 (hg19) VCF-style: chr6-116953548-G-A.
Other names: c.*156G>A (NM_001161664.2); short protein forms A699T.
Identifiers: ClinVar variation 838373 (VCV000838373.13), dbSNP rs372304999, ClinGen allele CA3971112.
Genomic context (GRCh38, chr6:116,632,385, plus strand): 5'-GATGATCCTAGTGTGGAGGAGGAGCAGGCTTTCAGGGCTGCACAAGAAGCAGTTCTACTC[G>A]CAGCTGAGAATGAAGAATCTGAGGAAGATGAAGATGAGGAAGATGATTATGACTAATAAA-3'
Protein context (NP_001010892.1, residues 689-709): FRAAQEAVLL[Ala699Thr]AENEESEEDE

ClinVar aggregate classification (germline): Uncertain significance. Review status: criteria provided, multiple submitters, no conflicts (2 of 4 stars). 5 submissions from 5 submitters: Uncertain significance (5). Last evaluated 2025-08-11.

Conditions:
Primary ciliary dyskinesia. Also called: Ciliary dyskinesia. Identifiers: Orphanet 244, MedGen C0008780, MONDO:0016575, HP:0012265.
Primary ciliary dyskinesia 11. Also called: CILIARY DYSKINESIA, PRIMARY, 11, WITHOUT SITUS INVERSUS. Identifiers: Orphanet 244, MedGen C2675229, MONDO:0012978, OMIM 612649.

Allele frequency attached by ClinVar (database versions not stated): ExAC 0.00008; ESP Exome Variant Server 0.00008; TOPMed 0.00009.
gnomAD v4.1: 60 of 1,613,798 alleles (0.0037%); highest among the groups gnomAD compares: African/African-American, 0.02%; no homozygotes.

Submissions (5):

Ambry Genetics
Classification: Uncertain significance for Primary ciliary dyskinesia. Last evaluated: 2025-08-11. Review status: criteria provided, single submitter. Criteria: Ambry Variant Classification Scheme 2023. Collection method: clinical testing. Allele origin: germline.

Labcorp Genetics (formerly Invitae), Labcorp
Classification: Uncertain significance for Primary ciliary dyskinesia. Last evaluated: 2024-10-29. Review status: criteria provided, single submitter. Criteria: Invitae Variant Classification Sherloc (09022015). Collection method: clinical testing. Allele origin: germline.
Comment: This sequence change replaces alanine, which is neutral and non-polar, with threonine, which is neutral and polar, at codon 699 of the RSPH4A protein (p.Ala699Thr). This variant is present in population databases (rs372304999, gnomAD 0.02%). This variant has not been reported in the literature in individuals affected with RSPH4A-related conditions. ClinVar contains an entry for this variant (Variation ID: 838373). Invitae Evidence Modeling of protein sequence and biophysical properties (such as structural, functional, and spatial information, amino acid conservation, physicochemical variation, residue mobility, and thermodynamic stability) indicates that this missense variant is not expected to disrupt RSPH4A protein function with a negative predictive value of 80%. In summary, the available evidence is currently insufficient to determine the role of this variant in disease. Therefore, it has been classified as a Variant of Uncertain Significance.

Fulgent Genetics
Classification: Uncertain significance for Primary ciliary dyskinesia 11. Last evaluated: 2024-02-01. Review status: criteria provided, single submitter. Criteria: ACMG Guidelines, 2015. Collection method: clinical testing. Allele origin: germline.

Genetics and Molecular Pathology, SA Pathology
Classification: Uncertain significance for Primary ciliary dyskinesia 11. Last evaluated: 2019-10-18. Review status: criteria provided, single submitter. Criteria: ACMG Guidelines, 2015. Collection method: clinical testing. Allele origin: germline. Inheritance: Autosomal recessive inheritance. Affected: yes.

Breakthrough Genomics
Classification: Uncertain significance. Review status: criteria provided, single submitter. Criteria: ACMG Guidelines, 2015. Collection method: not provided. Allele origin: germline. Inheritance: Autosomal recessive inheritance. Affected: yes.